The following is an entry in ClinVar:

ClinVar aggregate classification (germline): Likely benign (0 of 4 stars; one submission).

Conditions:
PADI3-related disorder. Also called: PADI3-related condition.

Allele frequency attached by ClinVar (database versions not stated): ExAC 0.00005; TOPMed 0.00013; gnomAD 0.00016; gnomAD exomes 0.00017.
gnomAD v4.1: 268 of 1,614,078 alleles (0.017%); highest among the groups gnomAD compares: Non-Finnish European, 0.021%; no homozygotes.

Submission:

PreventionGenetics, part of Exact Sciences
Classification: Likely benign for PADI3-related condition. Last evaluated: 2019-10-28. Review status: no assertion criteria provided. Collection method: clinical testing. Allele origin: germline.
Comment: This variant is classified as likely benign based on ACMG/AMP sequence variant interpretation guidelines (Richards et al. 2015 PMID: 25741868, with internal and published modifications).

NM_016233.2(PADI3):c.597T>C (p.Leu199=)

Gene: PADI3 (peptidyl arginine deiminase 3; plus strand). Cytogenetic location: 1p36.13.
Variant type: single nucleotide variant.
Coding change: c.597T>C on transcript NM_016233.2 (MANE Select); coding-DNA position 597, T replaced by C.
Protein change: p.Leu199=; no amino-acid change (leucine 199 retained).
Molecular consequence: synonymous variant.
Genome position (GRCh38, 1-based): chr1:17,267,907, T>C. VCF-style: chr1-17267907-T-C. GRCh37 (hg19) VCF-style: chr1-17594402-T-C.
Identifiers: ClinVar variation 3046034 (VCV003046034.2), dbSNP rs201198322, ClinGen allele CA639765.